The following is an entry in ClinVar:

NM_000138.5(FBN1):c.4583-11A>G

Gene: FBN1 (fibrillin 1; minus strand). Cytogenetic location: 15q21.1.
Variant type: single nucleotide variant.
Coding change: c.4583-11A>G on transcript NM_000138.5 (MANE Select); 11 bases into the intron before coding-DNA position 4583, A replaced by G.
Molecular consequence: intron variant.
Genome position (GRCh38, 1-based): chr15:48,468,113, T>C on the plus strand (A>G on the coding strand, the complement: FBN1 is on the minus strand). VCF-style: chr15-48468113-T-C. GRCh37 (hg19) VCF-style: chr15-48760310-T-C.
Identifiers: ClinVar variation 919117 (VCV000919117.10), dbSNP rs780024463, ClinGen allele CA053367.

ClinVar aggregate classification (germline): Likely benign. Review status: criteria provided, multiple submitters, no conflicts (2 of 4 stars). 3 submissions from 3 submitters: Likely benign (3). Last evaluated 2025-12-17.

Conditions:
Familial thoracic aortic aneurysm and aortic dissection (TAAD). Also called: Thoracic aortic aneurysms and dissections. Identifiers: Orphanet 91387, MedGen C4707243, MONDO:0019625.
Marfan syndrome (MFS). Also called: Marfan syndrome, classic; Marfan syndrome type 1; Marfan's syndrome; FBN1-Related Marfan Syndrome; MARFAN SYNDROME, TYPE I. Identifiers: Orphanet 284963, Orphanet 558, MedGen C0024796, MONDO:0007947, OMIM 154700.

Allele frequency attached by ClinVar (database versions not stated): TOPMed 0.00004; ExAC 0.00003; gnomAD exomes 0.00004 and 0.00003; gnomAD 0.00003.
gnomAD v4.1: 51 of 1,613,878 alleles (0.0032%); highest among the groups gnomAD compares: Middle Eastern, 0.016%; no homozygotes.

Submissions (3):

Labcorp Genetics (formerly Invitae), Labcorp
Classification: Likely benign for Marfan syndrome; Familial thoracic aortic aneurysm and aortic dissection. Last evaluated: 2025-12-17. Review status: criteria provided, single submitter. Criteria: Invitae Variant Classification Sherloc (09022015). Collection method: clinical testing. Allele origin: germline.

All of Us Research Program, National Institutes of Health
Classification: Likely benign for Marfan syndrome. Last evaluated: 2023-12-01. Review status: criteria provided, single submitter. Criteria: ACMG Guidelines, 2015. Collection method: clinical testing. Allele origin: germline. Inheritance: Autosomal dominant inheritance. Observed: 10 variant alleles, 10 heterozygotes.
Comment: This study involves interpretation of variants in research participants for the purpose of population health screening. Participant phenotype was not available at the time of variant classification. Additional details can be found in publication PMID: 35346344, PMCID: PMC8962531

Color Diagnostics, LLC DBA Color Health
Classification: Likely benign for Familial thoracic aortic aneurysm and aortic dissection. Last evaluated: 2019-04-28. Review status: criteria provided, single submitter. Criteria: ACMG Guidelines, 2015. Collection method: clinical testing. Allele origin: germline.